The following is an entry in ClinVar:

ClinVar aggregate classification (germline): Pathogenic (1 of 4 stars; one submission).

Conditions:
Joubert syndrome. Also called: CEREBELLOPARENCHYMAL DISORDER IV; JOUBERT-BOLTSHAUSER SYNDROME; Familial aplasia of the vermis. Identifiers: Orphanet 475, MedGen C5979921, MONDO:0018772.
Nephronophthisis. Also called: Juvenile Nephronophthisis. Identifiers: Orphanet 655, MedGen C0687120, MONDO:0019005, HP:0000090.
Meckel-Gruber syndrome. Also called: DYSENCEPHALIA SPLANCHNOCYSTICA; GRUBER SYNDROME; Dysencephalia splachnocystica. Identifiers: Orphanet 564, MedGen C0265215, MONDO:0018921.

Submission:

Labcorp Genetics (formerly Invitae), Labcorp
Classification: Pathogenic for Joubert syndrome; Meckel-Gruber syndrome; Nephronophthisis. Last evaluated: 2024-03-09. Review status: criteria provided, single submitter. Criteria: Invitae Variant Classification Sherloc (09022015). Collection method: clinical testing. Allele origin: germline.
Comment: This sequence change creates a premature translational stop signal (p.Glu1579*) in the CEP290 gene. It is expected to result in an absent or disrupted protein product. Loss-of-function variants in CEP290 are known to be pathogenic (PMID: 16909394, 17345604, 20690115). Information on the frequency of this variant in the gnomAD database is not available, as this variant may be reported differently in the database. This variant has not been reported in the literature in individuals affected with CEP290-related conditions. For these reasons, this variant has been classified as Pathogenic.

Literature cited by the submitters: PubMed 16909394; PubMed 17345604; PubMed 20690115.

NM_025114.4(CEP290):c.4734_4735delinsAT (p.Glu1579Ter)

Gene: CEP290 (centrosomal protein 290; minus strand). Cytogenetic location: 12q21.32.
Variant type: Indel.
Coding change: c.4734_4735delinsAT on transcript NM_025114.4 (MANE Select); coding-DNA positions 4734 to 4735, GG replaced by AT.
Protein change: p.Glu1579Ter; replaces glutamic acid 1579 with a stop codon.
Molecular consequence: nonsense.
Genome position (GRCh38, 1-based): chr12:88,083,924-88,083,925, CC replaced by AT on the plus strand (GG replaced by AT on the coding strand, the reverse complement: CEP290 is on the minus strand). VCF-style: chr12-88083924-CC-AT. GRCh37 (hg19) VCF-style: chr12-88477701-CC-AT.
Other names: short protein forms E1579*.
Identifiers: ClinVar variation 3755195 (VCV003755195.2).